The following is an entry in ClinVar:

NM_020937.4(FANCM):c.1919T>C (p.Met640Thr)

Gene: FANCM (FA complementation group M; plus strand). Cytogenetic location: 14q21.2.
Variant type: single nucleotide variant.
Coding change: c.1919T>C on transcript NM_020937.4 (MANE Select); coding-DNA position 1919, T replaced by C.
Protein change: p.Met640Thr; replaces methionine 640 with threonine.
Molecular consequence: missense variant.
Genome position (GRCh38, 1-based): chr14:45,167,080, T>C. VCF-style: chr14-45167080-T-C. GRCh37 (hg19) VCF-style: chr14-45636283-T-C.
Other names: c.1841T>C, p.Met614Thr (NM_001308133.2); c.1919T>C, p.Met640Thr (NM_001308134.2); c.1919T>C (NM_020937.2); short protein forms M614T, M640T.
Identifiers: ClinVar variation 1684729 (VCV001684729.3), dbSNP rs768830366, ClinGen allele CA7169182.

ClinVar aggregate classification (germline): Uncertain significance. Review status: criteria provided, multiple submitters, no conflicts (2 of 4 stars). 2 submissions from 2 submitters: Uncertain significance (2). Last evaluated 2025-05-06.

Conditions:
Inborn genetic diseases. Identifiers: MedGen C0950123, MeSH D030342.

Allele frequency attached by ClinVar (database versions not stated): TOPMed 0.00002; gnomAD 0.00001; gnomAD exomes below 0.00001; ExAC 0.00001.
gnomAD v4.1: 4 of 1,613,590 alleles (0.00025%); highest among the groups gnomAD compares: African/African-American, 0.004%; no homozygotes.

Submissions (2):

Ambry Genetics
Classification: Uncertain significance for Inborn genetic diseases. Last evaluated: 2025-05-06. Review status: criteria provided, single submitter. Criteria: Ambry Variant Classification Scheme 2023. Collection method: clinical testing. Allele origin: germline.
Comment: The p.M640T variant (also known as c.1919T>C), located in coding exon 11 of the FANCM gene, results from a T to C substitution at nucleotide position 1919. The methionine at codon 640 is replaced by threonine, an amino acid with similar properties. This amino acid position is conserved. In addition, the in silico prediction for this alteration is inconclusive. Based on the available evidence, the clinical significance of this variant remains unclear.

Mendelics
Classification: Uncertain significance. Last evaluated: 2022-05-04. Review status: criteria provided, single submitter. Criteria: Mendelics Assertion Criteria 2019. Collection method: clinical testing. Allele origin: germline.